The following is an entry in ClinVar:

ClinVar aggregate classification (germline): not provided (0 of 4 stars; one submission).

Allele frequency attached by ClinVar (database versions not stated): gnomAD below 0.00001 and 0.00024; TOPMed 0.00003; gnomAD exomes 0.00039 and 0.00092; 1000 Genomes Project 30x 0.00172; 1000 Genomes Project 0.00180; ExAC 0.00189.
gnomAD v4.1: 612 of 1,592,972 alleles (0.038%); highest among the groups gnomAD compares: South Asian, 0.63%; 8 homozygotes.

Submission:

ITMI
No classification provided. Condition: AllHighlyPenetrant. Last evaluated: 2013-09-19. Review status: no classification provided. Collection method: reference population. Allele origin: germline.
Comment: Please see associated publication for description of ethnicities

Literature cited by the submitters: PubMed 24728327.

NM_000136.3(FANCC):c.1329+149G>A

Genes: AOPEP (aminopeptidase O (putative); plus strand), FANCC (FA complementation group C; minus strand). Cytogenetic location: 9q22.32.
Variant type: single nucleotide variant.
Coding change: c.1329+149G>A on transcript NM_000136.3 (MANE Select); 149 bases into the intron after coding-DNA position 1329, G replaced by A.
Molecular consequence: intron variant. On other transcripts: missense variant (1).
Genome position (GRCh38, 1-based): chr9:95,111,314, C>T on the plus strand (G>A on the coding strand, the complement: FANCC is on the minus strand). VCF-style: chr9-95111314-C-T. GRCh37 (hg19) VCF-style: chr9-97873596-C-T.
Other names: c.1361G>A, p.Gly454Asp (NM_001243744.2); c.1329+149G>A (NM_001243743.2); short protein forms G454D.
Identifiers: ClinVar variation 134309 (VCV000134309.1), dbSNP rs551334290, ClinGen allele CA159421.